The following is an entry in ClinVar:

NM_006766.5(KAT6A):c.3599G>T (p.Arg1200Leu)

Gene: KAT6A (lysine acetyltransferase 6A; minus strand). Cytogenetic location: 8p11.21.
Variant type: single nucleotide variant.
Coding change: c.3599G>T on transcript NM_006766.5 (MANE Select); coding-DNA position 3599, G replaced by T.
Protein change: p.Arg1200Leu; replaces arginine 1200 with leucine.
Molecular consequence: missense variant.
Genome position (GRCh38, 1-based): chr8:41,934,621, C>A on the plus strand (G>T on the coding strand, the complement: KAT6A is on the minus strand). VCF-style: chr8-41934621-C-A. GRCh37 (hg19) VCF-style: chr8-41792139-C-A.
Other names: short protein forms R1200L.
Identifiers: ClinVar variation 3907241 (VCV003907241.1).

ClinVar aggregate classification (germline): Uncertain significance (1 of 4 stars; one submission).

Submission:

Women's Health and Genetics/Laboratory Corporation of America, LabCorp
Classification: Uncertain significance. Last evaluated: 2025-06-10. Review status: criteria provided, single submitter. Criteria: LabCorp Variant Classification Summary - May 2015. Collection method: clinical testing. Allele origin: germline.
Comment: Variant summary: KAT6A c.3599G>T (p.Arg1200Leu) results in a non-conservative amino acid change in the encoded protein sequence. Algorithms developed to predict the effect of missense changes on protein structure and function are either unavailable or do not agree on the potential impact of this missense change. The variant allele was found at a frequency of 1.2e-05 in 251486 control chromosomes. The available data on variant occurrences in the general population are insufficient to allow any conclusion about variant significance. To our knowledge, no occurrence of c.3599G>T in individuals affected with Arboleda-Tham Syndrome and no experimental evidence demonstrating its impact on protein function have been reported. No submitters have cited clinical-significance assessments for this variant to ClinVar. Based on the evidence outlined above, the variant was classified as uncertain significance.